The following is an entry in ClinVar:

ClinVar aggregate classification (germline): Pathogenic (1 of 4 stars; one submission).

Conditions:
VPS13A-related neurodegenerative disease. Also called: ACANTHOCYTOSIS WITH NEUROLOGIC DISORDER; LEVINE-CRITCHLEY SYNDROME; Choreoacanthocytosis; Chorea-acanthocytosis; Choreaacanthocytosis; VPS13A Disease. Identifiers: Orphanet 2388, MedGen C0393576, MONDO:0008695, OMIM 200150.

Submission:

Myriad Genetics, Inc.
Classification: Pathogenic for VPS13A-related neurodegenerative disease. Last evaluated: 2025-05-03. Review status: criteria provided, single submitter. Criteria: Myriad Autosomal Dominant, Autosomal Recessive and X-Linked Classification Criteria (2023). Collection method: clinical testing. Allele origin: unknown.
Comment: NM_033305.2(VPS13A):c.8621dupG(E2875Rfs*4) is expected to be pathogenic in the context of VPS13A disease. This variant is predicted to lead to an abnormal or absent protein product due to the creation of a premature termination codon in VPS13A, a gene where loss-of-function variants are known to be pathogenic. Please note: this variant was assessed in the context of healthy population screening.

NM_033305.3(VPS13A):c.8621dup (p.Glu2875fs)

Gene: VPS13A (vacuolar protein sorting 13 homolog A; plus strand). Cytogenetic location: 9q21.2.
Variant type: Duplication.
Coding change: c.8621dup on transcript NM_033305.3 (MANE Select); coding-DNA position 8621, one base duplicated (G; older notation c.8621dupG).
Protein change: p.Glu2875fs; shifts the reading frame from glutamic acid 2875.
Molecular consequence: frameshift variant.
Genome position (GRCh38, 1-based): chr9:77,369,366, G duplicated. VCF-style (leftmost placement, unchanged base first): chr9-77369365-A-AG. GRCh37 (hg19) VCF-style: chr9-79984281-A-AG.
Other names: c.8504dup, p.Glu2836fs (NM_001018037.2); c.8621dup, p.Glu2875fs (NM_001018038.3, NM_015186.4); short protein forms E2836fs, E2875fs.
Identifiers: ClinVar variation 5014375 (VCV005014375.1).